The following is an entry in ClinVar:

NM_000202.8(IDS):c.1006G>C (p.Gly336Arg)

Genes: IDS (iduronate 2-sulfatase; minus strand), LOC106050102 (IDS recombination region; plus strand). Cytogenetic location: Xq28.
Variant type: single nucleotide variant.
Coding change: c.1006G>C on transcript NM_000202.8 (MANE Select); coding-DNA position 1006, G replaced by C.
Protein change: p.Gly336Arg; replaces glycine 336 with arginine.
Molecular consequence: missense variant. On other transcripts: non-coding transcript variant (1).
Genome position (GRCh38, 1-based): chrX:149,490,314, C>G on the plus strand (G>C on the coding strand, the complement: IDS is on the minus strand). VCF-style: chrX-149490314-C-G. GRCh37 (hg19) VCF-style: chrX-148571845-C-G.
Other names: c.736G>C, p.Gly246Arg (NM_001166550.4); c.1006G>C, p.Gly336Arg (NM_006123.5); short protein forms G246R, G336R.
Identifiers: ClinVar variation 3255904 (VCV003255904.2).

ClinVar aggregate classification (germline): Pathogenic (1 of 4 stars; one submission).

Conditions:
Mucopolysaccharidosis, MPS-II (MPS2). Also called: Hunter Syndrome; IDURONATE 2-SULFATASE DEFICIENCY; Mucopolysaccharidosis Type II; Mucopolysaccharidosis type 2; Attenuated MPS (subtype; formerly known as mild MPS II); Severe MPS II. Identifiers: Orphanet 580, Orphanet 79388, MedGen C0026705, MONDO:0010674, OMIM 309900.

Submission:

Laboratory of Diagnosis and Therapy of Lysosomal Disorders, University of Padova
Classification: Pathogenic for Mucopolysaccharidosis, MPS-II. Last evaluated: 2024-06-07. Review status: criteria provided, single submitter. Criteria: ACMG Guidelines, 2015. Collection method: literature only. Allele origin: germline. Affected: yes. Observed: 2 variant alleles.
Comment: Absent from controls (or at low frequency) in gnomAD database (PM2_Moderate), Missense change at the same amino acid residue as a pathogenic variant (PM5_Moderate), Missense variant in a gene with a low rate of benign missense variation (PP2_Supporting), Multiple lines of computational evidence support a deleterious effect (PP3_Supporting), Patient’s phenotype or family history highly specific for the disease (PP4_Strong)

Classification method: ACMG Guidelines [PMID:25741868] with modifications

Literature cited by the submitters: PubMed 17063374; PubMed 33676511.